The following is an entry in ClinVar:

ClinVar aggregate classification (germline): Uncertain significance (1 of 4 stars; one submission).

Submission:

Labcorp Genetics (formerly Invitae), Labcorp
Classification: Uncertain significance. Last evaluated: 2022-03-20. Review status: criteria provided, single submitter. Criteria: Invitae Variant Classification Sherloc (09022015). Collection method: clinical testing. Allele origin: germline.
Comment: This variant results in a copy number gain of the genomic region encompassing exon(s) 1-2 of the IGF1R gene. This region includes the initiator codon of the gene. This copy number gain extends beyond the assayed region for this gene and therefore may encompass additional genes. As the precise location of this event is unknown, it may be in tandem or it may be located elsewhere in the genome. This variant has not been reported in the literature in individuals affected with IGF1R-related conditions. In summary, the available evidence is currently insufficient to determine the role of this variant in disease. Therefore, it has been classified as a Variant of Uncertain Significance.

NC_000015.9:g.(?_99192811)_(99251356_?)dup

Gene: IGF1R (insulin like growth factor 1 receptor; plus strand). Cytogenetic location: 15q26.3.
Variant type: Duplication.
Identifiers: ClinVar variation 2423430 (VCV002423430.3).